The following is an entry in ClinVar:

ClinVar aggregate classification (germline): Pathogenic (1 of 4 stars; one submission).

Conditions:
UDPglucose-4-epimerase deficiency. Also called: GALACTOSEMIA III; GALE DEFICIENCY; UDPglucose 4-Epimerase Deficiency Disease; UDP-GALACTOSE-4-EPIMERASE DEFICIENCY; Galactose epimerase deficiency; Epimerase Deficiency Galactosemia. Identifiers: Orphanet 352, Orphanet 79238, MedGen C0751161, MONDO:0009257, OMIM 230350.

Submission:

Labcorp Genetics (formerly Invitae), Labcorp
Classification: Pathogenic for UDPglucose-4-epimerase deficiency. Last evaluated: 2023-06-29. Review status: criteria provided, single submitter. Criteria: Invitae Variant Classification Sherloc (09022015). Collection method: clinical testing. Allele origin: germline.
Comment: For these reasons, this variant has been classified as Pathogenic. This variant disrupts a region of the GALE protein in which other variant(s) (p.Arg51Trp) have been determined to be pathogenic (PMID: 30247636, 33510604). This suggests that this is a clinically significant region of the protein, and that variants that disrupt it are likely to be disease-causing. This variant has not been reported in the literature in individuals affected with GALE-related conditions. This variant is not present in population databases (gnomAD no frequency). This sequence change affects the initiator methionine of the GALE mRNA. The next in-frame methionine is located at codon 65.

Literature cited by the submitters: PubMed 30247636; PubMed 33510604.

NM_001008216.2(GALE):c.3G>A (p.Met1Ile)

Gene: GALE (UDP-galactose-4-epimerase; minus strand). Cytogenetic location: 1p36.11.
Variant type: single nucleotide variant.
Coding change: c.3G>A on transcript NM_001008216.2 (MANE Select); coding-DNA position 3, G replaced by A.
Protein change: p.Met1Ile; changes the start codon (methionine 1).
Molecular consequence: missense variant, initiator codon variant.
Genome position (GRCh38, 1-based): chr1:23,799,005, C>T on the plus strand (G>A on the coding strand, the complement: GALE is on the minus strand). VCF-style: chr1-23799005-C-T. GRCh37 (hg19) VCF-style: chr1-24125495-C-T.
Other names: c.3G>A, p.Met1Ile (NM_000403.4, NM_001127621.2); short protein forms M1I.
Identifiers: ClinVar variation 3002671 (VCV003002671.3), dbSNP rs2521326158, ClinGen allele CA339016583.